The following is an entry in ClinVar:

ClinVar aggregate classification (germline): Uncertain significance (1 of 4 stars; one submission).

Conditions:
Duchenne muscular dystrophy (DMD). Also called: MUSCULAR DYSTROPHY, PSEUDOHYPERTROPHIC PROGRESSIVE, DUCHENNE TYPE; Duchenne Muscular Dystrophy (DMD). Identifiers: Orphanet 98896, MedGen C0013264, MONDO:0010679, OMIM 310200.

Submission:

Labcorp Genetics (formerly Invitae), Labcorp
Classification: Uncertain significance for Duchenne muscular dystrophy. Last evaluated: 2025-08-21. Review status: criteria provided, single submitter. Criteria: Invitae Variant Classification Sherloc (09022015). Collection method: clinical testing. Allele origin: germline.
Comment: This sequence change replaces alanine, which is neutral and non-polar, with valine, which is neutral and non-polar, at codon 2010 of the DMD protein (p.Ala2010Val). This variant is not present in population databases (gnomAD no frequency). This variant has not been reported in the literature in individuals affected with DMD-related conditions. Invitae Evidence Modeling of protein sequence and biophysical properties (such as structural, functional, and spatial information, amino acid conservation, physicochemical variation, residue mobility, and thermodynamic stability) indicates that this missense variant is not expected to disrupt DMD protein function with a negative predictive value of 95%. In summary, the available evidence is currently insufficient to determine the role of this variant in disease. Therefore, it has been classified as a Variant of Uncertain Significance.

NM_004006.3(DMD):c.6029C>T (p.Ala2010Val)

Gene: DMD (dystrophin; minus strand). Cytogenetic location: Xp21.1.
Variant type: single nucleotide variant.
Coding change: c.6029C>T on transcript NM_004006.3 (MANE Select); coding-DNA position 6029, C replaced by T.
Protein change: p.Ala2010Val; replaces alanine 2010 with valine.
Molecular consequence: missense variant.
Genome position (GRCh38, 1-based): chrX:32,310,170, G>A on the plus strand (C>T on the coding strand, the complement: DMD is on the minus strand). VCF-style: chrX-32310170-G-A. GRCh37 (hg19) VCF-style: chrX-32328287-G-A.
Other names: c.6005C>T, p.Ala2002Val (NM_000109.4); c.6017C>T, p.Ala2006Val (NM_004009.3); c.5660C>T, p.Ala1887Val (NM_004010.3); c.2006C>T, p.Ala669Val (NM_004011.4); c.1997C>T, p.Ala666Val (NM_004012.4); short protein forms A2002V, A2006V, A666V, A1887V, A669V, A2010V.
Identifiers: ClinVar variation 4738766 (VCV004738766.1).
Genomic context (GRCh38, chrX:32,310,170, plus strand): 5'-TCTTCAAAGTCCTTAGCACAGAGGTCAGGAGCATTGAGAAGTTGTTCCACTTCTAATAGG[G>A]CTTGTGAGACATGAGTGATTTCAGTCAAATAAGTAGAAGGCACATAAGAAATTTCCAAAG-3'
Protein context (NP_003997.2, residues 2000-2020): YLTEITHVSQ[Ala2010Val]LLEVEQLLNA